The following is an entry in ClinVar:

ClinVar aggregate classification (germline): Uncertain significance (1 of 4 stars; one submission).

gnomAD v4.1: 24 of 1,241,916 alleles (0.0019%); highest among the groups gnomAD compares: South Asian, 0.0036%; no homozygotes.

Submission:

Labcorp Genetics (formerly Invitae), Labcorp
Classification: Uncertain significance. Last evaluated: 2025-12-26. Review status: criteria provided, single submitter. Criteria: Invitae Variant Classification Sherloc (09022015). Collection method: clinical testing. Allele origin: germline.
Comment: This sequence change replaces proline, which is neutral and non-polar, with leucine, which is neutral and non-polar, at codon 58 of the FBXO11 protein (p.Pro58Leu). This variant is not present in population databases (gnomAD no frequency). This variant has not been reported in the literature in individuals affected with FBXO11-related conditions. ClinVar contains an entry for this variant (Variation ID: 1911367). Experimental studies and prediction algorithms are not available or were not evaluated, and the functional significance of this variant is currently unknown. In summary, the available evidence is currently insufficient to determine the role of this variant in disease. Therefore, it has been classified as a Variant of Uncertain Significance.

NM_001190274.2(FBXO11):c.173C>T (p.Pro58Leu)

Gene: FBXO11 (F-box protein 11; minus strand). Cytogenetic location: 2p16.3.
Variant type: single nucleotide variant.
Coding change: c.173C>T on transcript NM_001190274.2 (MANE Select); coding-DNA position 173, C replaced by T.
Protein change: p.Pro58Leu; replaces proline 58 with leucine.
Molecular consequence: missense variant.
Genome position (GRCh38, 1-based): chr2:47,905,548, G>A on the plus strand (C>T on the coding strand, the complement: FBXO11 is on the minus strand). VCF-style: chr2-47905548-G-A. GRCh37 (hg19) VCF-style: chr2-48132687-G-A.
Other names: short protein forms P58L.
Identifiers: ClinVar variation 1911367 (VCV001911367.5), dbSNP rs919267110, ClinGen allele CA47236581.